The following is an entry in ClinVar:

NM_182961.4(SYNE1):c.25446C>G (p.Ile8482Met)

Gene: SYNE1 (spectrin repeat containing nuclear envelope protein 1; minus strand). Cytogenetic location: 6q25.2.
Variant type: single nucleotide variant.
Coding change: c.25446C>G on transcript NM_182961.4 (MANE Select); coding-DNA position 25446, C replaced by G.
Protein change: p.Ile8482Met; replaces isoleucine 8482 with methionine.
Molecular consequence: missense variant.
Genome position (GRCh38, 1-based): chr6:152,139,962, G>C on the plus strand (C>G on the coding strand, the complement: SYNE1 is on the minus strand). VCF-style: chr6-152139962-G-C. GRCh37 (hg19) VCF-style: chr6-152461097-G-C.
Other names: c.2052C>G, p.Ile684Met (NM_001347701.2); c.1980C>G, p.Ile660Met (NM_001347702.2); c.25302C>G, p.Ile8434Met (NM_033071.5); short protein forms I660M, I684M, I8434M, I8482M.
Identifiers: ClinVar variation 4759484 (VCV004759484.1).
Genomic context (GRCh38, chr6:152,139,962, plus strand): 5'-GCGGTGGCTCTCTGTTTGTCCGCCGTGGGAAAGGCAAGGGGCAGCTACCTTGAGCTTTTT[G>C]ATCTGGAGCTCGATGGTCTGGATGTCAGTGCTGAGTTCCAGACGCTGGAGCTGTTCCAAC-3'
Protein context (NP_892006.3, residues 8472-8492): STDIQTIELQ[Ile8482Met]KKLKELQKAV

ClinVar aggregate classification (germline): Uncertain significance (1 of 4 stars; one submission).

Conditions:
SYNE1-related disorder. Also called: SYNE1-related disorders; SYNE1-related disease; SYNE1-related condition.

gnomAD v4.1: 1 of 1,613,528 alleles (0.000062%); highest among the groups gnomAD compares: Middle Eastern, 0.018%; no homozygotes.

Submission:

Illumina Laboratory Services, Illumina
Classification: Uncertain significance for SYNE1-related disorders. Last evaluated: 2024-03-28. Review status: criteria provided, single submitter. Criteria: ISL SNV Classification Criteria 03 February 2026. Collection method: clinical testing. Allele origin: unknown.
Comment: The SYNE1 c.25446C>G p.(Ile8482Met) missense variant has not, to our knowledge, been reported in the peer-reviewed literature. This variant is not observed at a significant frequency in version 2.1.1 or version 4.0.0 of the Genome Aggregation Database. Based on the available evidence, the c.25446C>G p.(Ile8482Met) variant is classified as a variant of uncertain significance for SYNE1-related disorders.